The following is an entry in ClinVar:

ClinVar aggregate classification (germline): Uncertain significance (1 of 4 stars; one submission).

Conditions:
Brown-Vialetto-van Laere syndrome 1. Also called: BROWN-VIALETTO-VAN LAERE SYNDROME 1, MILD; BULBAR PALSY, PROGRESSIVE, WITH SENSORINEURAL DEAFNESS; PONTOBULBAR PALSY WITH DEAFNESS. Identifiers: Orphanet 572550, Orphanet 97229, MedGen C0796274, MONDO:0024537, OMIM 211530.

Allele frequency attached by ClinVar (database versions not stated): gnomAD exomes below 0.00001.

Submission:

Labcorp Genetics (formerly Invitae), Labcorp
Classification: Uncertain significance for Brown-Vialetto-van Laere syndrome 1. Last evaluated: 2022-09-20. Review status: criteria provided, single submitter. Criteria: Invitae Variant Classification Sherloc (09022015). Collection method: clinical testing. Allele origin: germline.
Comment: This variant has not been reported in the literature in individuals affected with SLC52A3-related conditions. In summary, the available evidence is currently insufficient to determine the role of this variant in disease. Therefore, it has been classified as a Variant of Uncertain Significance. Algorithms developed to predict the effect of sequence changes on RNA splicing suggest that this variant may create or strengthen a splice site. Advanced modeling of protein sequence and biophysical properties (such as structural, functional, and spatial information, amino acid conservation, physicochemical variation, residue mobility, and thermodynamic stability) performed at Invitae indicates that this missense variant is expected to disrupt SLC52A3 protein function. This variant is present in population databases (no rsID available, gnomAD 0.0009%). This sequence change replaces glycine, which is neutral and non-polar, with arginine, which is basic and polar, at codon 146 of the SLC52A3 protein (p.Gly146Arg).

NM_033409.4(SLC52A3):c.436G>A (p.Gly146Arg)

Gene: SLC52A3 (solute carrier family 52 member 3; minus strand). Cytogenetic location: 20p13.
Variant type: single nucleotide variant.
Coding change: c.436G>A on transcript NM_033409.4 (MANE Select); coding-DNA position 436, G replaced by A.
Protein change: p.Gly146Arg; replaces glycine 146 with arginine.
Molecular consequence: missense variant.
Genome position (GRCh38, 1-based): chr20:765,339, C>T on the plus strand (G>A on the coding strand, the complement: SLC52A3 is on the minus strand). VCF-style: chr20-765339-C-T. GRCh37 (hg19) VCF-style: chr20-745983-C-T.
Other names: c.436G>A, p.Gly146Arg (NM_001370085.1, NM_001370086.1); short protein forms G146R.
Identifiers: ClinVar variation 1992208 (VCV001992208.4), dbSNP rs1461455465, ClinGen allele CA407963838.
Genomic context (GRCh38, chr20:765,339, plus strand): 5'-AGGTAGTGAGACCGGAGCCCTGGGCAAGAGCCACCAGGGCGGGCAAGAGGCCGCTGAGTC[C>T]TTCACCCACAAAGAAGGTGGTGAGGTAGTAGGTGGGCAGCCGGCTCATGAACGGCAGGAA-3'
Protein context (NP_212134.3, residues 136-156): YYLTTFFVGE[Gly146Arg]LSGLLPALVA